The following is an entry in ClinVar:

NM_000498.3(CYP11B2):c.1123C>A (p.Leu375Ile)

Genes: CYP11B2 (cytochrome P450 family 11 subfamily B member 2; minus strand), LOC106799834 (CYP11B2 recombination region; plus strand). Cytogenetic location: 8q24.3.
Variant type: single nucleotide variant.
Coding change: c.1123C>A on transcript NM_000498.3 (MANE Select); coding-DNA position 1123, C replaced by A.
Protein change: p.Leu375Ile; replaces leucine 375 with isoleucine.
Molecular consequence: missense variant.
Genome position (GRCh38, 1-based): chr8:142,912,884, G>T on the plus strand (C>A on the coding strand, the complement: CYP11B2 is on the minus strand). VCF-style: chr8-142912884-G-T. GRCh37 (hg19) VCF-style: chr8-143994300-G-T.
Other names: short protein forms L375I.
Identifiers: ClinVar variation 2184516 (VCV002184516.2), dbSNP rs975698126, ClinGen allele CA187453780.

ClinVar aggregate classification (germline): Uncertain significance. Review status: criteria provided, multiple submitters, no conflicts (2 of 4 stars). 2 submissions from 2 submitters: Uncertain significance (2). Last evaluated 2025-08-27.

Conditions:
Inborn genetic diseases. Identifiers: MedGen C0950123, MeSH D030342.

Allele frequency attached by ClinVar (database versions not stated): gnomAD 0.00001; TOPMed 0.00002.
gnomAD v4.1: 3 of 1,612,660 alleles (0.00019%); highest among the groups gnomAD compares: African/African-American, 0.004%; no homozygotes.

Submissions (2):

Ambry Genetics
Classification: Uncertain significance for Inborn genetic diseases. Last evaluated: 2025-08-27. Review status: criteria provided, single submitter. Criteria: Ambry Variant Classification Scheme 2023. Collection method: clinical testing. Allele origin: germline.

Labcorp Genetics (formerly Invitae), Labcorp
Classification: Uncertain significance. Last evaluated: 2022-06-08. Review status: criteria provided, single submitter. Criteria: Invitae Variant Classification Sherloc (09022015). Collection method: clinical testing. Allele origin: germline.
Comment: This sequence change replaces leucine, which is neutral and non-polar, with isoleucine, which is neutral and non-polar, at codon 375 of the CYP11B2 protein (p.Leu375Ile). This variant is not present in population databases (gnomAD no frequency). This variant has not been reported in the literature in individuals affected with CYP11B2-related conditions. Algorithms developed to predict the effect of missense changes on protein structure and function are either unavailable or do not agree on the potential impact of this missense change (SIFT: "Tolerated"; PolyPhen-2: "Possibly Damaging"; Align-GVGD: "Class C0"). In summary, the available evidence is currently insufficient to determine the role of this variant in disease. Therefore, it has been classified as a Variant of Uncertain Significance.